The following is an entry in ClinVar:

NM_152564.5(VPS13B):c.5076+1G>C

Gene: VPS13B (vacuolar protein sorting 13 homolog B; plus strand). Cytogenetic location: 8q22.2.
Variant type: single nucleotide variant.
Coding change: c.5076+1G>C on transcript NM_152564.5 (MANE Select); the canonical splice donor site of the intron after coding-DNA position 5076, G replaced by C.
Molecular consequence: splice donor variant.
Genome position (GRCh38, 1-based): chr8:99,575,785, G>C. VCF-style: chr8-99575785-G-C. GRCh37 (hg19) VCF-style: chr8-100588013-G-C.
Other names: c.5151+1G>C (NM_017890.4, NM_017890.5); c.5076+1G>C (NM_152564.4).
Identifiers: ClinVar variation 2917237 (VCV002917237.5), dbSNP rs1825747036, ClinGen allele CA371874178.

ClinVar aggregate classification (germline): Likely pathogenic. Review status: criteria provided, multiple submitters, no conflicts (2 of 4 stars). 3 submissions from 3 submitters: Likely pathogenic (2). 1 of the submissions does not count toward it. Last evaluated 2025-12-15.

Conditions:
Cohen syndrome (COH1). Also called: PEPPER SYNDROME; Cutis verticis gyrata, retinitis pigmentosa, and sensorineural deafness. Identifiers: Orphanet 193, MedGen C0265223, MONDO:0008999, OMIM 216550.
VPS13B-related disorder. Also called: VPS13B-related condition.

Allele frequency attached by ClinVar (database versions not stated): gnomAD 0.00001; TOPMed 0.00001.
gnomAD v4.1: 1 of 1,612,950 alleles (0.000062%); highest among the groups gnomAD compares: African/African-American, 0.0013%; no homozygotes.

Submissions (3):

Natera, Inc.
Classification: Likely pathogenic for Cohen syndrome. Last evaluated: 2025-12-15. Review status: criteria provided, single submitter. Criteria: Natera Variant Classification Schema (03/2026). Collection method: clinical testing. Allele origin: germline.
Comment: The c.5151+1G>C variant in VPS13B is a canonical splice donor site variant predicted to affect pre-mRNA splicing, which may result in an abnormal transcript and altered protein product. This variant is expected to result in nonsense mediated decay, truncation, or a dysfunctional protein product. This variant is rare in the general population with a frequency below the threshold expected for the associated phenotype(s). Given the available evidence, this variant is classified as Likely Pathogenic.

Labcorp Genetics (formerly Invitae), Labcorp
Classification: Likely pathogenic for Cohen syndrome. Last evaluated: 2023-06-10. Review status: criteria provided, single submitter. Criteria: Invitae Variant Classification Sherloc (09022015). Collection method: clinical testing. Allele origin: germline.
Comment: This variant has not been reported in the literature in individuals affected with VPS13B-related conditions. This variant is not present in population databases (gnomAD no frequency). This sequence change affects a donor splice site in intron 32 of the VPS13B gene. It is expected to disrupt RNA splicing. Variants that disrupt the donor or acceptor splice site typically lead to a loss of protein function (PMID: 16199547), and loss-of-function variants in VPS13B are known to be pathogenic (PMID: 15141358, 16648375, 20461111). Algorithms developed to predict the effect of sequence changes on RNA splicing suggest that this variant may disrupt the consensus splice site. In summary, the currently available evidence indicates that the variant is pathogenic, but additional data are needed to prove that conclusively. Therefore, this variant has been classified as Likely Pathogenic.

PreventionGenetics, part of Exact Sciences
Classification: Likely pathogenic for VPS13B-related condition. Last evaluated: 2024-08-27. Review status: no assertion criteria provided. Collection method: clinical testing. Allele origin: germline. Not counted in ClinVar's aggregate classification.
Comment: The VPS13B c.5076+1G>C variant is predicted to disrupt the GT donor site and interfere with normal splicing. To our knowledge, this variant has not been reported in the literature or in a large population database, indicating this variant is rare. Variants that disrupt the consensus splice donor site in VPS13B are expected to be pathogenic. This variant is interpreted as likely pathogenic.

Literature cited by the submitters: PubMed 16199547 (cited by Labcorp Genetics (formerly Invitae), Labcorp); PubMed 15141358 (cited by Labcorp Genetics (formerly Invitae), Labcorp); PubMed 16648375 (cited by Labcorp Genetics (formerly Invitae), Labcorp); PubMed 20461111 (cited by Labcorp Genetics (formerly Invitae), Labcorp).